The following is an entry in ClinVar:

ClinVar aggregate classification (germline): Pathogenic (1 of 4 stars; one submission).

Conditions:
Cohen syndrome (COH1). Also called: Cutis verticis gyrata, retinitis pigmentosa, and sensorineural deafness; PEPPER SYNDROME. Identifiers: Orphanet 193, MedGen C0265223, MONDO:0008999, OMIM 216550.

Submission:

Myriad Genetics, Inc.
Classification: Pathogenic for Cohen syndrome. Last evaluated: 2025-05-23. Review status: criteria provided, single submitter. Criteria: Myriad Autosomal Dominant, Autosomal Recessive and X-Linked Classification Criteria (2023). Collection method: clinical testing. Allele origin: unknown.
Comment: NM_017890.4(VPS13B):c.2624C>A(S875*) is expected to be pathogenic in the context of Cohen syndrome. This variant is predicted to lead to an abnormal or absent protein product due to the creation of a premature termination codon in VPS13B, a gene where loss-of-function variants are known to be pathogenic. Please note: this variant was assessed in the context of healthy population screening.

NM_152564.5(VPS13B):c.2624C>A (p.Ser875Ter)

Gene: VPS13B (vacuolar protein sorting 13 homolog B; plus strand). Cytogenetic location: 8q22.2.
Variant type: single nucleotide variant.
Coding change: c.2624C>A on transcript NM_152564.5 (MANE Select); coding-DNA position 2624, C replaced by A.
Protein change: p.Ser875Ter; replaces serine 875 with a stop codon.
Molecular consequence: nonsense.
Genome position (GRCh38, 1-based): chr8:99,274,306, C>A. VCF-style: chr8-99274306-C-A. GRCh37 (hg19) VCF-style: chr8-100286534-C-A.
Other names: c.2624C>A, p.Ser875Ter (NM_017890.5); short protein forms S875*.
Identifiers: ClinVar variation 5014496 (VCV005014496.1).